The following is an entry in ClinVar:

NM_002473.6(MYH9):c.2024A>G (p.Asn675Ser)

Gene: MYH9 (myosin heavy chain 9; minus strand). Cytogenetic location: 22q12.3.
Variant type: single nucleotide variant.
Coding change: c.2024A>G on transcript NM_002473.6 (MANE Select); coding-DNA position 2024, A replaced by G.
Protein change: p.Asn675Ser; replaces asparagine 675 with serine.
Molecular consequence: missense variant.
Genome position (GRCh38, 1-based): chr22:36,306,427, T>C on the plus strand (A>G on the coding strand, the complement: MYH9 is on the minus strand). VCF-style: chr22-36306427-T-C. GRCh37 (hg19) VCF-style: chr22-36702473-T-C.
Other names: short protein forms N675S.
Identifiers: ClinVar variation 2630290 (VCV002630290.2), dbSNP rs2517977687, ClinGen allele CA411397673.

ClinVar aggregate classification (germline): Uncertain significance (1 of 4 stars; one submission).

Conditions:
MYH9-related disorder. Identifiers: MedGen C1854520.

Submission:

PreventionGenetics, part of Exact Sciences
Classification: Uncertain significance for MYH9-related condition. Last evaluated: 2024-10-30. Review status: criteria provided, single submitter. Criteria: ACMG Guidelines, 2015. Collection method: clinical testing. Allele origin: germline.
Comment: The MYH9 c.2024A>G variant is predicted to result in the amino acid substitution p.Asn675Ser. To our knowledge, this variant has not been reported in the literature or in a large population database (gnomAD), indicating this variant is rare. At this time, the clinical significance of this variant is uncertain due to the absence of conclusive functional and genetic evidence.